The following is an entry in ClinVar:

ClinVar aggregate classification (germline): Uncertain significance (1 of 4 stars; one submission).

Conditions:
Very long chain acyl-CoA dehydrogenase deficiency (ACADVLD). Also called: Very Long-Chain Acyl-Coenzyme A Dehydrogenase Deficiency; VLCAD Deficiency. Identifiers: Orphanet 26793, MedGen C3887523, MONDO:0008723, OMIM 201475.

Allele frequency attached by ClinVar (database versions not stated): gnomAD exomes below 0.00001.
gnomAD v4.1: 6 of 1,614,114 alleles (0.00037%); highest among the groups gnomAD compares: Non-Finnish European, 0.00051%; no homozygotes.

Submission:

Wong Mito Lab, Molecular and Human Genetics, Baylor College of Medicine
Classification: Uncertain significance for Very long chain acyl-CoA dehydrogenase deficiency. Last evaluated: 2019-11-01. Review status: criteria provided, single submitter. Criteria: ACMG Guidelines, 2015. Collection method: clinical testing. Allele origin: germline.
Comment: The NM_000018.3:c.1937G>T (NP_000009.1:p.Gly646Val) [GRCH38: NC_000017.11:g.7225066G>T] variant in ACADVL gene is interpretated to be Uncertain Significance based on ACMG guidelines (PMID: 25741868). This variant has been reported. This variant meets the following evidence codes reported in the ACMG guidelines: PM1, PM3, PP4

NM_000018.4(ACADVL):c.1937G>T (p.Gly646Val)

Gene: ACADVL (acyl-CoA dehydrogenase very long chain; plus strand). Cytogenetic location: 17p13.1.
Variant type: single nucleotide variant.
Coding change: c.1937G>T on transcript NM_000018.4 (MANE Select); coding-DNA position 1937, G replaced by T.
Protein change: p.Gly646Val; replaces glycine 646 with valine.
Molecular consequence: missense variant.
Genome position (GRCh38, 1-based): chr17:7,225,066, G>T. VCF-style: chr17-7225066-G-T. GRCh37 (hg19) VCF-style: chr17-7128385-G-T.
Other names: c.1871G>T, p.Gly624Val (NM_001033859.3); c.2006G>T, p.Gly669Val (NM_001270447.2); c.1709G>T, p.Gly570Val (NM_001270448.2); short protein forms G646V, G669V, G624V, G570V.
Identifiers: ClinVar variation 932784 (VCV000932784.2), dbSNP rs768878569, ClinGen allele CA287441474.